The following is an entry in ClinVar:

NM_016604.4(KDM3B):c.2162G>A (p.Gly721Glu)

Gene: KDM3B (lysine demethylase 3B; plus strand). Cytogenetic location: 5q31.2.
Variant type: single nucleotide variant.
Coding change: c.2162G>A on transcript NM_016604.4 (MANE Select); coding-DNA position 2162, G replaced by A.
Protein change: p.Gly721Glu; replaces glycine 721 with glutamic acid.
Molecular consequence: missense variant.
Genome position (GRCh38, 1-based): chr5:138,391,794, G>A. VCF-style: chr5-138391794-G-A. GRCh37 (hg19) VCF-style: chr5-137727483-G-A.
Other names: short protein forms G721E.
Identifiers: ClinVar variation 2574709 (VCV002574709.2), dbSNP rs1762439398, ClinGen allele CA361108773.

ClinVar aggregate classification (germline): Uncertain significance. Review status: criteria provided, multiple submitters, no conflicts (2 of 4 stars). 2 submissions from 2 submitters: Uncertain significance (2). Last evaluated 2024-01-09.

Conditions:
Inborn genetic diseases. Identifiers: MedGen C0950123, MeSH D030342.

Allele frequency attached by ClinVar (database versions not stated): gnomAD exomes below 0.00001; TOPMed 0.00001.
gnomAD v4.1: 1 of 1,614,018 alleles (0.000062%); highest among the groups gnomAD compares: African/African-American, 0.0013%; no homozygotes.

Submissions (2):

Ambry Genetics
Classification: Uncertain significance for Inborn genetic diseases. Last evaluated: 2024-01-09. Review status: criteria provided, single submitter. Criteria: Ambry Variant Classification Scheme 2023. Collection method: clinical testing. Allele origin: germline.

GeneDx
Classification: Uncertain significance. Last evaluated: 2023-01-12. Review status: criteria provided, single submitter. Criteria: GeneDx Variant Classification Process June 2021. Collection method: clinical testing. Allele origin: germline. Affected: yes.
Comment: Not observed at significant frequency in large population cohorts (gnomAD); In silico analysis supports that this missense variant does not alter protein structure/function; Has not been previously published as pathogenic or benign to our knowledge